The following is an entry in ClinVar:

ClinVar aggregate classification (germline): Uncertain significance (1 of 4 stars; one submission).

Conditions:
Neuropathy, hereditary sensory, type 1F. Also called: Hereditary sensory neuropathy type IF; HSN IF. Identifiers: Orphanet 36386, MedGen C3810194, MONDO:0014286, OMIM 615632.

Allele frequency attached by ClinVar (database versions not stated): gnomAD exomes below 0.00001; gnomAD 0.00001; TOPMed 0.00001.

Submission:

Labcorp Genetics (formerly Invitae), Labcorp
Classification: Uncertain significance for Neuropathy, hereditary sensory, type 1F. Last evaluated: 2018-10-02. Review status: criteria provided, single submitter. Criteria: Invitae Variant Classification Sherloc (09022015). Collection method: clinical testing. Allele origin: germline.
Comment: In summary, the available evidence is currently insufficient to determine the role of this variant in disease. Therefore, it has been classified as a Variant of Uncertain Significance. Nucleotide substitutions within the consensus splice site are a relatively common cause of aberrant splicing (PMID: 17576681, 9536098). Algorithms developed to predict the effect of sequence changes on RNA splicing suggest that this variant is not likely to affect RNA splicing, but this prediction has not been confirmed by published transcriptional studies. This variant has not been reported in the literature in individuals with ATL3-related disease. This variant is not present in population databases (ExAC no frequency). This sequence change falls in intron 7 of the ATL3 gene. It does not directly change the encoded amino acid sequence of the ATL3 protein, but it affects a nucleotide within the consensus splice site of the intron.

Literature cited by the submitters: PubMed 17576681; PubMed 9536098.

NM_015459.5(ATL3):c.711+4A>G

Genes: ATL3 (atlastin GTPase 3; minus strand), LNCROPM (lncRNA regulator of PLAAT3 mediated phospholipid metabolism; plus strand). Cytogenetic location: 11q13.1.
Variant type: single nucleotide variant.
Coding change: c.711+4A>G on transcript NM_015459.5 (MANE Select); 4 bases into the intron after coding-DNA position 711, A replaced by G.
Molecular consequence: intron variant.
Genome position (GRCh38, 1-based): chr11:63,644,165, T>C on the plus strand (A>G on the coding strand, the complement: ATL3 is on the minus strand). VCF-style: chr11-63644165-T-C. GRCh37 (hg19) VCF-style: chr11-63411637-T-C.
Other names: c.657+4A>G (NM_001290048.2).
Identifiers: ClinVar variation 657945 (VCV000657945.6), dbSNP rs1223436823, ClinGen allele CA599601441.
Genomic context (GRCh38, chr11:63,644,165, plus strand): 5'-AAAGCAAATGAGAAAGCTATCACTACTTTGAGATAATTCATCAGAAGATTATAGTCCCAC[T>C]TACCTGTAAACGCTTATCCAAAAATGCCATTCCTCCTTGGAGTCCATAGCTATATTCATA-3'